The following is an entry in ClinVar:

NM_022455.5(NSD1):c.6289A>G (p.Lys2097Glu)

Gene: NSD1 (nuclear receptor binding SET domain protein 1; plus strand). Cytogenetic location: 5q35.3.
Variant type: single nucleotide variant.
Coding change: c.6289A>G on transcript NM_022455.5 (MANE Select); coding-DNA position 6289, A replaced by G.
Protein change: p.Lys2097Glu; replaces lysine 2097 with glutamic acid.
Molecular consequence: missense variant.
Genome position (GRCh38, 1-based): chr5:177,291,984, A>G. VCF-style: chr5-177291984-A-G. GRCh37 (hg19) VCF-style: chr5-176718985-A-G.
Other names: c.5416A>G, p.Lys1806Glu (NM_001365684.2, NM_001409308.1, NM_172349.5); c.6289A>G, p.Lys2097Glu (NM_001409301.1, NM_001409302.1, NM_001409303.1); c.5869A>G, p.Lys1957Glu (NM_001409304.1); c.5536A>G, p.Lys1846Glu (NM_001409305.1); c.5527A>G, p.Lys1843Glu (NM_001409306.1, NM_001409307.1); c.5167A>G, p.Lys1723Glu (NM_001409309.1); short protein forms K2097E, K1828E, K1846E, K1806E, K1843E, K1723E, K1957E.
Identifiers: ClinVar variation 373211 (VCV000373211.1), dbSNP rs1057518286, ClinGen allele CA16042522.
Genomic context (GRCh38, chr5:177,291,984, plus strand): 5'-AATGCTGACTGTTCAATATCTGACCTGTAGAATCAACCCATTGCCACGGAAGAAAAGTCA[A>G]AGAAATTCAAGAAGAAGCAACAGGGAAAGCGCAGGACCCAGGGTGAAATCACAAAGGAGC-3'
Protein context (NP_071900.2, residues 2087-2107): NQPIATEEKS[Lys2097Glu]KFKKKQQGKR

ClinVar aggregate classification (germline): Likely pathogenic (1 of 4 stars; one submission).

Submission:

GeneDx
Classification: Likely pathogenic. Last evaluated: 2016-11-29. Review status: criteria provided, single submitter. Criteria: GeneDx Variant Classification (06012015). Collection method: clinical testing. Allele origin: germline. Affected: yes.
Comment: The K2097E variant in the NSD1 gene has not been reported previously as a pathogenic variant, nor as a benign variant, to our knowledge. The K2097E variant was not observed in approximately 6500 individuals of European and African American ancestry in the NHLBI Exome Sequencing Project, indicating it is not a common benign variant in these populations. The K2097E variant is a non-conservative amino acid substitution and occurs at a position that is not conserved. In silico analysis is inconsistent in its predictions as to whether or not the variant is damaging to the protein structure/function. The K2097E variant is a strong candidate for a pathogenic variant, however the possibility it may be a rare benign variant cannot be excluded.